The following is an entry in ClinVar:

NM_000038.6(APC):c.130dup (p.Met44fs)

Gene: APC (APC regulator of Wnt signaling pathway; plus strand). Cytogenetic location: 5q22.2.
Variant type: Duplication.
Coding change: c.130dup on transcript NM_000038.6 (MANE Select); coding-DNA position 130, one base duplicated (A; older notation c.130dupA).
Protein change: p.Met44fs; shifts the reading frame from methionine 44.
Molecular consequence: frameshift variant. On other transcripts: 5 prime UTR variant (4), non-coding transcript variant (2), intron variant (11).
Genome position (GRCh38, 1-based): chr5:112,755,020, A duplicated. VCF-style (leftmost placement, unchanged base first): chr5-112755019-T-TA. GRCh37 (hg19) VCF-style: chr5-112090716-T-TA.
Other names: c.130dup, p.Met44fs (NM_001127510.3, NM_001354895.2, NM_001354896.2 and 16 more transcripts); c.-906dup (NM_001354906.2, NM_001407470.1, NM_001407471.1 and 1 more transcripts); c.166-11306dup (NM_001407446.1, NM_001354897.2, NM_001354902.2 and 1 more transcripts); c.-42-11306dup (NM_001407453.1, NM_001354900.2, NM_001354901.2 and 1 more transcripts); c.61-11306dup (NM_001407451.1, NM_001354898.2, NM_001354904.2); short protein forms M44fs.
Identifiers: ClinVar variation 2573272 (VCV002573272.1), dbSNP rs2532139587, ClinGen allele CA2580613614.

ClinVar aggregate classification (germline): Pathogenic (1 of 4 stars; one submission).

Conditions:
Familial adenomatous polyposis 1 (FAP1). Also called: POLYPOSIS, ADENOMATOUS INTESTINAL; FAMILIAL ADENOMATOUS POLYPOSIS 1, ATTENUATED. Identifiers: MedGen C2713442, MONDO:0021056, OMIM 175100. Disease mechanism: loss of function.

Submission:

Myriad Genetics, Inc.
Classification: Pathogenic for Familial adenomatous polyposis 1. Last evaluated: 2023-04-13. Review status: criteria provided, single submitter. Criteria: Myriad Autosomal Dominant, Autosomal Recessive and X-Linked Classification Criteria (2023). Collection method: clinical testing. Allele origin: unknown.
Comment: This variant is considered pathogenic. This variant creates a frameshift predicted to result in premature protein truncation.